The following is an entry in ClinVar:

NM_000124.4(ERCC6):c.762_763del (p.Lys255fs)

Gene: ERCC6 (ERCC excision repair 6, chromatin remodeling factor; minus strand). Cytogenetic location: 10q11.23.
Variant type: Deletion.
Coding change: c.762_763del on transcript NM_000124.4 (MANE Select); coding-DNA positions 762 to 763, 2 bases deleted (GA; older notation c.762_763delGA).
Protein change: p.Lys255fs; shifts the reading frame from lysine 255.
Molecular consequence: frameshift variant.
Genome position (GRCh38, 1-based): chr10:49,524,667-49,524,668, TC deleted on the plus strand (GA on the coding strand, the reverse complement: ERCC6 is on the minus strand); deleting any 2 consecutive bases within chr10:49,524,667-49,524,669 gives the same sequence; the c. name uses the placement nearest the transcript's 3' end. VCF-style (leftmost placement, unchanged base first): chr10-49524666-TTC-T. GRCh37 (hg19) VCF-style: chr10-50732712-TTC-T.
Other names: c.762_763del, p.Lys255fs (NM_001277058.2, NM_001277059.2, NM_001346440.2); short protein forms K255fs.
Identifiers: ClinVar variation 5013301 (VCV005013301.1).

ClinVar aggregate classification (germline): Pathogenic (1 of 4 stars; one submission).

Conditions:
Cockayne spectrum with or without cerebrooculofacioskeletal syndrome. Identifiers: MedGen CN315928, MONDO:0100506.

Submission:

Myriad Genetics, Inc.
Classification: Pathogenic for Cockayne spectrum with or without cerebrooculofacioskeletal syndrome. Last evaluated: 2024-07-10. Review status: criteria provided, single submitter. Criteria: Myriad Autosomal Dominant, Autosomal Recessive and X-Linked Classification Criteria (2023). Collection method: clinical testing. Allele origin: unknown.
Comment: NM_000124.2(ERCC6):c.762_763delGA(K255Tfs*11) is expected to be pathogenic in the context of ERCC6-related disorders. This variant is predicted to lead to an abnormal or absent protein product due to the creation of a premature termination codon in ERCC6, a gene where loss-of-function variants are known to be pathogenic. Please note: this variant was assessed in the context of healthy population screening.